The following is an entry in ClinVar:

ClinVar aggregate classification (germline): Uncertain significance (1 of 4 stars; one submission).

Allele frequency attached by ClinVar (database versions not stated): gnomAD exomes 0.00001; ExAC 0.00002; TOPMed 0.00002.

Submission:

Labcorp Genetics (formerly Invitae), Labcorp
Classification: Uncertain significance. Last evaluated: 2023-10-13. Review status: criteria provided, single submitter. Criteria: Invitae Variant Classification Sherloc (09022015). Collection method: clinical testing. Allele origin: germline.
Comment: This sequence change replaces arginine, which is basic and polar, with glutamine, which is neutral and polar, at codon 9 of the KCNV2 protein (p.Arg9Gln). This variant is present in population databases (rs770351405, gnomAD 0.01%). This variant has not been reported in the literature in individuals affected with KCNV2-related conditions. ClinVar contains an entry for this variant (Variation ID: 1951758). Advanced modeling of protein sequence and biophysical properties (such as structural, functional, and spatial information, amino acid conservation, physicochemical variation, residue mobility, and thermodynamic stability) performed at Invitae indicates that this missense variant is not expected to disrupt KCNV2 protein function. In summary, the available evidence is currently insufficient to determine the role of this variant in disease. Therefore, it has been classified as a Variant of Uncertain Significance.

NM_133497.4(KCNV2):c.26G>A (p.Arg9Gln)

Gene: KCNV2 (potassium voltage-gated channel modifier subfamily V member 2; plus strand). Cytogenetic location: 9p24.2.
Variant type: single nucleotide variant.
Coding change: c.26G>A on transcript NM_133497.4 (MANE Select); coding-DNA position 26, G replaced by A.
Protein change: p.Arg9Gln; replaces arginine 9 with glutamine.
Molecular consequence: missense variant.
Genome position (GRCh38, 1-based): chr9:2,717,765, G>A. VCF-style: chr9-2717765-G-A. GRCh37 (hg19) VCF-style: chr9-2717765-G-A.
Other names: short protein forms R9Q.
Identifiers: ClinVar variation 1951758 (VCV001951758.5), dbSNP rs770351405, ClinGen allele CA4965291.
Genomic context (GRCh38, chr9:2,717,765, plus strand): 5'-AGGAGGAAAAAGCTAGGCGTCCACTTTCCGCAGCCATGCTCAAACAGAGTGAGAGGAGAC[G>A]GTCCTGGAGCTACAGGCCCTGGAACACGACGGAGAATGAGGGCAGCCAACACCGCAGGAG-3'
Protein context (NP_598004.1, residues 1-19): MLKQSERR[Arg9Gln]SWSYRPWNTT